The following is an entry in ClinVar:

NM_001384910.1(GUCA1A):c.438C>A (p.Asn146Lys)

Genes: GUCA1A (guanylate cyclase activator 1A; plus strand), GUCA1ANB-GUCA1A (GUCA1ANB-GUCA1A readthrough; plus strand). Cytogenetic location: 6p21.1.
Variant type: single nucleotide variant.
Coding change: c.438C>A on transcript NM_001384910.1 (MANE Select); coding-DNA position 438, C replaced by A.
Protein change: p.Asn146Lys; replaces asparagine 146 with lysine.
Molecular consequence: missense variant.
Genome position (GRCh38, 1-based): chr6:42,178,888, C>A. VCF-style: chr6-42178888-C-A. GRCh37 (hg19) VCF-style: chr6-42146626-C-A.
Other names: c.438C>A, p.Asn146Lys (NM_000409.5, NM_001319061.2, NM_001319062.2); short protein forms N146K.
Identifiers: ClinVar variation 2819932 (VCV002819932.4), dbSNP rs1053287424, ClinGen allele CA364110024.

ClinVar aggregate classification (germline): Uncertain significance. Review status: criteria provided, multiple submitters, no conflicts (2 of 4 stars). 2 submissions from 2 submitters: Uncertain significance (2). Last evaluated 2022-12-10.

Submissions (2):

Labcorp Genetics (formerly Invitae), Labcorp
Classification: Uncertain significance. Last evaluated: 2022-12-10. Review status: criteria provided, single submitter. Criteria: Invitae Variant Classification Sherloc (09022015). Collection method: clinical testing. Allele origin: germline.
Comment: This sequence change replaces asparagine, which is neutral and polar, with lysine, which is basic and polar, at codon 146 of the GUCA1A protein (p.Asn146Lys). This variant is not present in population databases (gnomAD no frequency). In summary, the available evidence is currently insufficient to determine the role of this variant in disease. Therefore, it has been classified as a Variant of Uncertain Significance. Algorithms developed to predict the effect of missense changes on protein structure and function are either unavailable or do not agree on the potential impact of this missense change (SIFT: "Not Available"; PolyPhen-2: "Probably Damaging"; Align-GVGD: "Not Available"). This variant has not been reported in the literature in individuals affected with GUCA1A-related conditions.

Blueprint Genetics
Classification: Uncertain significance. Last evaluated: 2021-02-03. Review status: criteria provided, single submitter. Criteria: ACMG Guidelines, 2015. Collection method: clinical testing. Allele origin: germline.